The following is an entry in ClinVar:

ClinVar aggregate classification (germline): Pathogenic/Likely pathogenic. Review status: criteria provided, multiple submitters, no conflicts (2 of 4 stars). 2 submissions from 2 submitters: Pathogenic (1); Likely pathogenic (1). Last evaluated 2023-08-19.

Conditions:
Finnish congenital nephrotic syndrome (NPHS1). Also called: NEPHROTIC SYNDROME, TYPE 1. Identifiers: Orphanet 839, MedGen C0403399, MONDO:0009732, OMIM 256300.

Submissions (2):

Baylor Genetics
Classification: Likely pathogenic for Finnish congenital nephrotic syndrome. Last evaluated: 2023-08-19. Review status: criteria provided, single submitter. Criteria: ACMG Guidelines, 2015. Collection method: clinical testing. Allele origin: unknown.

Labcorp Genetics (formerly Invitae), Labcorp
Classification: Pathogenic. Last evaluated: 2022-12-20. Review status: criteria provided, single submitter. Criteria: Invitae Variant Classification Sherloc (09022015). Collection method: clinical testing. Allele origin: germline.
Comment: For these reasons, this variant has been classified as Pathogenic. This variant has not been reported in the literature in individuals affected with NPHS1-related conditions. This variant is not present in population databases (gnomAD no frequency). This sequence change creates a premature translational stop signal (p.His804Profs*44) in the NPHS1 gene. It is expected to result in an absent or disrupted protein product. Loss-of-function variants in NPHS1 are known to be pathogenic (PMID: 11317351, 11854170, 12039988).

Literature cited by the submitters: PubMed 11317351 (cited by Labcorp Genetics (formerly Invitae), Labcorp); PubMed 11854170 (cited by Labcorp Genetics (formerly Invitae), Labcorp); PubMed 12039988 (cited by Labcorp Genetics (formerly Invitae), Labcorp).

NM_004646.4(NPHS1):c.2411_2412del (p.His804fs)

Gene: NPHS1 (NPHS1 adhesion molecule, nephrin; minus strand). Cytogenetic location: 19q13.12.
Variant type: Deletion.
Coding change: c.2411_2412del on transcript NM_004646.4 (MANE Select); coding-DNA positions 2411 to 2412, 2 bases deleted (AC; older notation c.2411_2412delAC).
Protein change: p.His804fs; shifts the reading frame from histidine 804.
Molecular consequence: frameshift variant.
Genome position (GRCh38, 1-based): chr19:35,842,473-35,842,474, GT deleted on the plus strand (AC on the coding strand, the reverse complement: NPHS1 is on the minus strand); deleting any 2 consecutive bases within chr19:35,842,473-35,842,475 gives the same sequence; the c. name uses the placement nearest the transcript's 3' end. VCF-style (leftmost placement, unchanged base first): chr19-35842472-GGT-G. GRCh37 (hg19) VCF-style: chr19-36333374-GGT-G.
Other names: short protein forms H804fs.
Identifiers: ClinVar variation 2677297 (VCV002677297.4), dbSNP rs2513769522, ClinGen allele CA2695198181.